The following is an entry in ClinVar:

ClinVar aggregate classification (germline): Uncertain significance (1 of 4 stars; one submission).

Conditions:
Brachyolmia-amelogenesis imperfecta syndrome. Also called: PLATYSPONDYLY WITH AMELOGENESIS IMPERFECTA; Tooth agenesis, selective, 6; Dental anomalies and short stature. Identifiers: Orphanet 2899, MedGen C1832594, MONDO:0011018, OMIM 601216. Disease mechanism: loss of function.

gnomAD v4.1: 2 of 1,613,602 alleles (0.00012%); highest among the groups gnomAD compares: African/African-American, 0.0027%; no homozygotes.

Submission:

Labcorp Genetics (formerly Invitae), Labcorp
Classification: Uncertain significance for Brachyolmia-amelogenesis imperfecta syndrome. Last evaluated: 2023-10-04. Review status: criteria provided, single submitter. Criteria: Invitae Variant Classification Sherloc (09022015). Collection method: clinical testing. Allele origin: germline.
Comment: This sequence change falls in intron 11 of the LTBP3 gene. It does not directly change the encoded amino acid sequence of the LTBP3 protein. This variant is not present in population databases (gnomAD no frequency). This variant has not been reported in the literature in individuals affected with LTBP3-related conditions. Algorithms developed to predict the effect of sequence changes on RNA splicing suggest that this variant may disrupt the consensus splice site. In summary, the available evidence is currently insufficient to determine the role of this variant in disease. Therefore, it has been classified as a Variant of Uncertain Significance.

NM_001130144.3(LTBP3):c.1721-5C>A

Gene: LTBP3 (latent transforming growth factor beta binding protein 3; minus strand). Cytogenetic location: 11q13.1.
Variant type: single nucleotide variant.
Coding change: c.1721-5C>A on transcript NM_001130144.3 (MANE Select); 5 bases into the intron before coding-DNA position 1721, C replaced by A.
Molecular consequence: intron variant.
Genome position (GRCh38, 1-based): chr11:65,548,050, G>T on the plus strand (C>A on the coding strand, the complement: LTBP3 is on the minus strand). VCF-style: chr11-65548050-G-T. GRCh37 (hg19) VCF-style: chr11-65315521-G-T.
Other names: c.1370-5C>A (NM_001164266.1); c.1721-5C>A (NM_021070.4).
Identifiers: ClinVar variation 2725605 (VCV002725605.3), dbSNP rs777185028, ClinGen allele CA223964904.